The following is an entry in ClinVar:

ClinVar aggregate classification (germline): Uncertain significance. Review status: criteria provided, multiple submitters, no conflicts (2 of 4 stars). 2 submissions from 2 submitters: Uncertain significance (2). Last evaluated 2024-07-15.

Conditions:
Autoimmune lymphoproliferative syndrome, type III caused by mutation in PRKCD. Identifiers: Orphanet 3261, Orphanet 664711, MedGen C3809928, MONDO:8000024, OMIM 615559.
Inborn genetic diseases. Identifiers: MedGen C0950123, MeSH D030342.

Submissions (2):

Ambry Genetics
Classification: Uncertain significance for Inborn genetic diseases. Last evaluated: 2024-07-15. Review status: criteria provided, single submitter. Criteria: Ambry Variant Classification Scheme 2023. Collection method: clinical testing. Allele origin: germline.

Labcorp Genetics (formerly Invitae), Labcorp
Classification: Uncertain significance for Autoimmune lymphoproliferative syndrome, type III caused by mutation in PRKCD. Last evaluated: 2021-07-28. Review status: criteria provided, single submitter. Criteria: Invitae Variant Classification Sherloc (09022015). Collection method: clinical testing. Allele origin: germline.
Comment: In summary, the available evidence is currently insufficient to determine the role of this variant in disease. Therefore, it has been classified as a Variant of Uncertain Significance. Algorithms developed to predict the effect of missense changes on protein structure and function output the following: SIFT: "Tolerated"; PolyPhen-2: "Benign"; Align-GVGD: "Class C0". The glutamine amino acid residue is found in multiple mammalian species, which suggests that this missense change does not adversely affect protein function. This sequence change replaces histidine with glutamine at codon 672 of the PRKCD protein (p.His672Gln). The histidine residue is weakly conserved and there is a small physicochemical difference between histidine and glutamine. This variant is not present in population databases (ExAC no frequency). This variant has not been reported in the literature in individuals affected with PRKCD-related conditions.

NM_006254.4(PRKCD):c.2016C>A (p.His672Gln)

Genes: PRKCD (protein kinase C delta; plus strand), LOC129936899 (ATAC-STARR-seq lymphoblastoid active region 19967; plus strand). Cytogenetic location: 3p21.1.
Variant type: single nucleotide variant.
Coding change: c.2016C>A on transcript NM_006254.4 (MANE Select); coding-DNA position 2016, C replaced by A.
Protein change: p.His672Gln; replaces histidine 672 with glutamine.
Molecular consequence: missense variant.
Genome position (GRCh38, 1-based): chr3:53,192,251, C>A. VCF-style: chr3-53192251-C-A. GRCh37 (hg19) VCF-style: chr3-53226267-C-A.
Other names: c.2016C>A, p.His672Gln (NM_001316327.2, NM_001354679.2, NM_001354680.2 and 1 more transcripts); c.2073C>A, p.His691Gln (NM_001354676.2); c.2064C>A, p.His688Gln (NM_001354678.2); c.2016C>A (NM_006254.3); short protein forms H688Q, H691Q, H672Q.
Identifiers: ClinVar variation 1507121 (VCV001507121.7), dbSNP rs1553671108, ClinGen allele CA353225614.